The following is an entry in ClinVar:

NM_005876.5(SPEG):c.5587G>A (p.Val1863Met)

Genes: ASIC4-AS1 (ASIC4 antisense RNA 1; minus strand), SPEG (striated muscle enriched protein kinase; plus strand). Cytogenetic location: 2q35.
Variant type: single nucleotide variant.
Coding change: c.5587G>A on transcript NM_005876.5 (MANE Select); coding-DNA position 5587, G replaced by A.
Protein change: p.Val1863Met; replaces valine 1863 with methionine.
Molecular consequence: missense variant.
Genome position (GRCh38, 1-based): chr2:219,482,805, G>A. VCF-style: chr2-219482805-G-A. GRCh37 (hg19) VCF-style: chr2-220347527-G-A.
Other names: short protein forms V1863M.
Identifiers: ClinVar variation 1449232 (VCV001449232.3), dbSNP rs761702627, ClinGen allele CA2126888.

ClinVar aggregate classification (germline): Uncertain significance (1 of 4 stars; one submission).

Allele frequency attached by ClinVar (database versions not stated): gnomAD 0.00001; gnomAD exomes 0.00001 and 0.00002; ExAC 0.00002; TOPMed 0.00002.
gnomAD v4.1: 19 of 1,613,788 alleles (0.0012%); highest among the groups gnomAD compares: Non-Finnish European, 0.0013%; no homozygotes.

Submission:

Labcorp Genetics (formerly Invitae), Labcorp
Classification: Uncertain significance. Last evaluated: 2022-06-27. Review status: criteria provided, single submitter. Criteria: Invitae Variant Classification Sherloc (09022015). Collection method: clinical testing. Allele origin: germline.
Comment: This sequence change replaces valine, which is neutral and non-polar, with methionine, which is neutral and non-polar, at codon 1863 of the SPEG protein (p.Val1863Met). This variant is present in population databases (rs761702627, gnomAD 0.004%). This variant has not been reported in the literature in individuals affected with SPEG-related conditions. Algorithms developed to predict the effect of missense changes on protein structure and function output the following: SIFT: "Tolerated"; PolyPhen-2: "Benign"; Align-GVGD: "Class C0". The methionine amino acid residue is found in multiple mammalian species, which suggests that this missense change does not adversely affect protein function. In summary, the available evidence is currently insufficient to determine the role of this variant in disease. Therefore, it has been classified as a Variant of Uncertain Significance.